The following is an entry in ClinVar:

NC_000023.10:g.(?_32380885)_(33229429_?)del

Gene: DMD (dystrophin; minus strand). Cytogenetic location: Xp21.1.
Variant type: Deletion.
Identifiers: ClinVar variation 1458229 (VCV001458229.2).

ClinVar aggregate classification (germline): Pathogenic (1 of 4 stars; one submission).

Conditions:
Duchenne muscular dystrophy (DMD). Also called: Duchenne Muscular Dystrophy (DMD); MUSCULAR DYSTROPHY, PSEUDOHYPERTROPHIC PROGRESSIVE, DUCHENNE TYPE. Identifiers: Orphanet 98896, MedGen C0013264, MONDO:0010679, OMIM 310200.

Submission:

Labcorp Genetics (formerly Invitae), Labcorp
Classification: Pathogenic for Duchenne muscular dystrophy. Last evaluated: 2020-12-22. Review status: criteria provided, single submitter. Criteria: Invitae Variant Classification Sherloc (09022015). Collection method: clinical testing. Allele origin: germline.
Comment: For these reasons, this variant has been classified as Pathogenic. This variant has not been reported in the literature in individuals with DMD-related conditions. This variant is a gross deletion of the genomic region encompassing exon(s) 1-37 of the DMD gene, which includes the initiator codon. The 5' end of this event is unknown as it extends beyond the assayed region for this gene and therefore may encompass additional genes. The 3' boundary is likely confined to intron 37 of the DMD gene. It is expected to result in an absent or disrupted protein product. Loss-of-function variants in DMD are known to be pathogenic (PMID: 16770791, 25007885).

Literature cited by the submitters: PubMed 16770791; PubMed 25007885.